The following is an entry in ClinVar:

ClinVar aggregate classification (germline): Uncertain significance. Review status: criteria provided, multiple submitters, no conflicts (2 of 4 stars). 2 submissions from 2 submitters: Uncertain significance (2). Last evaluated 2025-01-05.

Conditions:
Stormorken syndrome (STRMK). Also called: THROMBOCYTOPATHY, ASPLENIA, AND MIOSIS. Identifiers: Orphanet 3204, MedGen C1861451, MONDO:0008497, OMIM 185070.
Myopathy with tubular aggregates (TAM). Also called: Tubular Aggregate Myopathy. Identifiers: Orphanet 2593, MedGen C0410207, MONDO:0008051.
Combined immunodeficiency due to STIM1 deficiency. Also called: STIM1 DEFICIENCY; IMMUNODEFICIENCY 10. Identifiers: Orphanet 169090, Orphanet 317430, MedGen C2748557, MONDO:0013008, OMIM 612783.

Allele frequency attached by ClinVar (database versions not stated): gnomAD exomes below 0.00001 and 0.00001; ExAC 0.00001; TOPMed 0.00001; gnomAD 0.00002.
gnomAD v4.1: 7 of 1,613,828 alleles (0.00043%); highest among the groups gnomAD compares: African/African-American, 0.0067%; no homozygotes.

Submissions (2):

Labcorp Genetics (formerly Invitae), Labcorp
Classification: Uncertain significance for Myopathy with tubular aggregates; Combined immunodeficiency due to STIM1 deficiency; Stormorken syndrome. Last evaluated: 2025-01-05. Review status: criteria provided, single submitter. Criteria: Invitae Variant Classification Sherloc (09022015). Collection method: clinical testing. Allele origin: germline.
Comment: This sequence change replaces asparagine, which is neutral and polar, with aspartic acid, which is acidic and polar, at codon 291 of the STIM1 protein (p.Asn291Asp). This variant is present in population databases (rs201523207, gnomAD 0.01%). This variant has not been reported in the literature in individuals affected with STIM1-related conditions. ClinVar contains an entry for this variant (Variation ID: 992279). Invitae Evidence Modeling of protein sequence and biophysical properties (such as structural, functional, and spatial information, amino acid conservation, physicochemical variation, residue mobility, and thermodynamic stability) has been performed for this missense variant. However, the output from this modeling did not meet the statistical confidence thresholds required to predict the impact of this variant on STIM1 protein function. In summary, the available evidence is currently insufficient to determine the role of this variant in disease. Therefore, it has been classified as a Variant of Uncertain Significance.

Greenwood Genetic Center Diagnostic Laboratories, Greenwood Genetic Center
Classification: Uncertain significance. Last evaluated: 2020-08-04. Review status: criteria provided, single submitter. Criteria: ACMG Guidelines, 2015. Collection method: clinical testing. Allele origin: germline. Affected: yes.

NM_001382567.1(STIM1):c.871A>G (p.Asn291Asp)

Gene: STIM1 (stromal interaction molecule 1; plus strand). Cytogenetic location: 11p15.4.
Variant type: single nucleotide variant.
Coding change: c.871A>G on transcript NM_001382567.1 (MANE Select); coding-DNA position 871, A replaced by G.
Protein change: p.Asn291Asp; replaces asparagine 291 with aspartic acid.
Molecular consequence: missense variant.
Genome position (GRCh38, 1-based): chr11:4,074,581, A>G. VCF-style: chr11-4074581-A-G. GRCh37 (hg19) VCF-style: chr11-4095811-A-G.
Other names: c.871A>G, p.Asn291Asp (NM_001277961.3, NM_001277962.2, NM_001382568.1 and 2 more transcripts); c.649A>G, p.Asn217Asp (NM_001382566.1, NM_001382573.1, NM_001382574.1 and 5 more transcripts); c.736A>G, p.Asn246Asp (NM_001382569.1); c.643A>G, p.Asn215Asp (NM_001382570.1); c.391A>G, p.Asn131Asp (NM_001382571.1); c.382A>G, p.Asn128Asp (NM_001382580.1, NM_001382581.1); short protein forms N128D, N131D, N215D, N217D, N246D, N291D.
Identifiers: ClinVar variation 992279 (VCV000992279.10), dbSNP rs201523207, ClinGen allele CA5830348.